The following is an entry in ClinVar:

NM_006361.6(HOXB13):c.757A>G (p.Thr253Ala)

Gene: HOXB13 (homeobox B13; minus strand). Cytogenetic location: 17q21.32.
Variant type: single nucleotide variant.
Coding change: c.757A>G on transcript NM_006361.6 (MANE Select); coding-DNA position 757, A replaced by G.
Protein change: p.Thr253Ala; replaces threonine 253 with alanine.
Molecular consequence: missense variant.
Genome position (GRCh38, 1-based): chr17:48,726,888, T>C on the plus strand (A>G on the coding strand, the complement: HOXB13 is on the minus strand). VCF-style: chr17-48726888-T-C. GRCh37 (hg19) VCF-style: chr17-46804250-T-C.
Other names: short protein forms T253A.
Identifiers: ClinVar variation 2563733 (VCV002563733.5), dbSNP rs775731553, ClinGen allele CA400106005.

ClinVar aggregate classification (germline): Uncertain significance. Review status: criteria provided, multiple submitters, no conflicts (2 of 4 stars). 2 submissions from 2 submitters: Uncertain significance (2). Last evaluated 2023-12-14.

Conditions:
Hereditary cancer-predisposing syndrome. Also called: Neoplastic Syndromes, Hereditary; Hereditary Cancer Syndrome; Hereditary neoplastic syndrome; Tumor predisposition. Identifiers: Orphanet 140162, MedGen C0027672, MeSH D009386, MONDO:0015356.

Submissions (2):

Labcorp Genetics (formerly Invitae), Labcorp
Classification: Uncertain significance. Last evaluated: 2023-12-14. Review status: criteria provided, single submitter. Criteria: Invitae Variant Classification Sherloc (09022015). Collection method: clinical testing. Allele origin: germline.
Comment: This sequence change replaces threonine, which is neutral and polar, with alanine, which is neutral and non-polar, at codon 253 of the HOXB13 protein (p.Thr253Ala). This variant is not present in population databases (gnomAD no frequency). This variant has not been reported in the literature in individuals affected with HOXB13-related conditions. ClinVar contains an entry for this variant (Variation ID: 2563733). Advanced modeling of protein sequence and biophysical properties (such as structural, functional, and spatial information, amino acid conservation, physicochemical variation, residue mobility, and thermodynamic stability) performed at Invitae indicates that this missense variant is expected to disrupt HOXB13 protein function with a positive predictive value of 80%. In summary, the available evidence is currently insufficient to determine the role of this variant in disease. Therefore, it has been classified as a Variant of Uncertain Significance.

Ambry Genetics
Classification: Uncertain significance for Hereditary cancer-predisposing syndrome. Last evaluated: 2023-03-31. Review status: criteria provided, single submitter. Criteria: Ambry Variant Classification Scheme 2023. Collection method: clinical testing. Allele origin: germline.
Comment: The p.T253A variant (also known as c.757A>G), located in coding exon 2 of the HOXB13 gene, results from an A to G substitution at nucleotide position 757. The threonine at codon 253 is replaced by alanine, an amino acid with similar properties. This amino acid position is conserved. In addition, this alteration is predicted to be deleterious by in silico analysis. Since supporting evidence is limited at this time, the clinical significance of this alteration remains unclear.